The following is an entry in ClinVar:

ClinVar aggregate classification (germline): Likely benign. Review status: criteria provided, single submitter (1 of 4 stars). 2 submissions from 2 submitters: Likely benign (1). 1 of the submissions does not count toward it. Last evaluated 2026-02-01.

Conditions:
SNRNP200-related disorder. Also called: SNRNP200-related condition.

Allele frequency attached by ClinVar (database versions not stated): gnomAD exomes 0.00003; ExAC 0.00004; gnomAD 0.00004 and 0.00005; 1000 Genomes Project 30x 0.00016; 1000 Genomes Project 0.00020.
gnomAD v4.1: 66 of 1,613,804 alleles (0.0041%); highest among the groups gnomAD compares: South Asian, 0.0099%; no homozygotes.

Submissions (2):

Labcorp Genetics (formerly Invitae), Labcorp
Classification: Likely benign. Last evaluated: 2026-02-01. Review status: criteria provided, single submitter. Criteria: Invitae Variant Classification Sherloc (09022015). Collection method: clinical testing. Allele origin: germline.

PreventionGenetics, part of Exact Sciences
Classification: Likely benign for SNRNP200-related condition. Last evaluated: 2019-09-12. Review status: no assertion criteria provided. Collection method: clinical testing. Allele origin: germline. Not counted in ClinVar's aggregate classification.
Comment: This variant is classified as likely benign based on ACMG/AMP sequence variant interpretation guidelines (Richards et al. 2015 PMID: 25741868, with internal and published modifications).

NM_014014.5(SNRNP200):c.5488+10G>A

Gene: SNRNP200 (small nuclear ribonucleoprotein U5 subunit 200; minus strand). Cytogenetic location: 2q11.2.
Variant type: single nucleotide variant.
Coding change: c.5488+10G>A on transcript NM_014014.5 (MANE Select); 10 bases into the intron after coding-DNA position 5488, G replaced by A.
Molecular consequence: intron variant.
Genome position (GRCh38, 1-based): chr2:96,278,537, C>T on the plus strand (G>A on the coding strand, the complement: SNRNP200 is on the minus strand). VCF-style: chr2-96278537-C-T. GRCh37 (hg19) VCF-style: chr2-96944275-C-T.
Other names: c.5488+10G>A (NM_014014.4).
Identifiers: ClinVar variation 1149613 (VCV001149613.11), dbSNP rs200072234, ClinGen allele CA1777964.
Genomic context (GRCh38, chr2:96,278,537, plus strand): 5'-CATCCCAGTGGGCTCCTGACCCGTGTAAAAAGGCTCCCACAGACAGGACACGGGCCATGC[C>T]GGGCCTCACCAATGGTGGTGTAGTTGATGTAATAGTAGGCGGCGATCATGCCTAGGTTCA-3'